The following is an entry in ClinVar:

NM_000038.6(APC):c.7431C>G (p.Ser2477=)

Gene: APC (APC regulator of Wnt signaling pathway; plus strand). Cytogenetic location: 5q22.2.
Variant type: single nucleotide variant.
Coding change: c.7431C>G on transcript NM_000038.6 (MANE Select); coding-DNA position 7431, C replaced by G.
Protein change: p.Ser2477=; no amino-acid change (serine 2477 retained).
Molecular consequence: synonymous variant.
Genome position (GRCh38, 1-based): chr5:112,843,025, C>G. VCF-style: chr5-112843025-C-G. GRCh37 (hg19) VCF-style: chr5-112178722-C-G.
Other names: c.7431C>G, p.Ser2477= (NM_001127510.3, NM_001354895.2); c.7377C>G, p.Ser2459= (NM_001127511.3); c.7485C>G, p.Ser2495= (NM_001354896.2); c.7461C>G, p.Ser2487= (NM_001354897.2); c.7356C>G, p.Ser2452= (NM_001354898.2); c.7347C>G, p.Ser2449= (NM_001354899.2); c.7308C>G, p.Ser2436= (NM_001354900.2); c.7254C>G, p.Ser2418= (NM_001354901.2); and 5 more.
Identifiers: ClinVar variation 827043 (VCV000827043.5), dbSNP rs1580682547, ClinGen allele CA446210648.

ClinVar aggregate classification (germline): Benign/Likely benign. Review status: criteria provided, multiple submitters, no conflicts (2 of 4 stars). 2 submissions from 2 submitters: Benign (1); Likely benign (1). Last evaluated 2024-04-09.

Conditions:
Familial adenomatous polyposis 1 (FAP1). Also called: POLYPOSIS, ADENOMATOUS INTESTINAL; FAMILIAL ADENOMATOUS POLYPOSIS 1, ATTENUATED. Identifiers: MedGen C2713442, MONDO:0021056, OMIM 175100. Disease mechanism: loss of function.
Hereditary cancer-predisposing syndrome. Also called: Neoplastic Syndromes, Hereditary; Tumor predisposition; Hereditary neoplastic syndrome; Hereditary Cancer Syndrome. Identifiers: Orphanet 140162, MedGen C0027672, MeSH D009386, MONDO:0015356.

Submissions (2):

Myriad Genetics, Inc.
Classification: Benign for Familial adenomatous polyposis 1. Last evaluated: 2024-04-09. Review status: criteria provided, single submitter. Criteria: Myriad Autosomal Dominant, Autosomal Recessive and X-Linked Classification Criteria (2023). Collection method: clinical testing. Allele origin: unknown.
Comment: This variant is considered benign. This variant is a silent/synonymous amino acid change and it is not expected to impact splicing.

Ambry Genetics
Classification: Likely benign for Hereditary cancer-predisposing syndrome. Last evaluated: 2019-09-18. Review status: criteria provided, single submitter. Criteria: Ambry Variant Classification Scheme 2023. Collection method: clinical testing. Allele origin: germline.